The following is an entry in ClinVar:

ClinVar aggregate classification (germline): Uncertain significance (1 of 4 stars; one submission).

Conditions:
Familial acute necrotizing encephalopathy (IIAE3). Also called: ENCEPHALOPATHY, ACUTE, INFECTION-INDUCED, SUSCEPTIBILITY TO, 3; Susceptibility to Acute Necrotizing Encephalopathy 1. Identifiers: Orphanet 88619, MedGen C2675556, MONDO:0011953, OMIM 608033.

Allele frequency attached by ClinVar (database versions not stated): TOPMed 0.00001; gnomAD 0.00002; gnomAD exomes 0.00002.
gnomAD v4.1: 55 of 1,613,828 alleles (0.0034%); highest among the groups gnomAD compares: Non-Finnish European, 0.0045%; no homozygotes.

Submission:

Labcorp Genetics (formerly Invitae), Labcorp
Classification: Uncertain significance for Familial acute necrotizing encephalopathy. Last evaluated: 2020-07-08. Review status: criteria provided, single submitter. Criteria: Invitae Variant Classification Sherloc (09022015). Collection method: clinical testing. Allele origin: germline.
Comment: In summary, the available evidence is currently insufficient to determine the role of this variant in disease. Therefore, it has been classified as a Variant of Uncertain Significance. Algorithms developed to predict the effect of missense changes on protein structure and function are either unavailable or do not agree on the potential impact of this missense change (SIFT: "Deleterious"; PolyPhen-2: "Benign"; Align-GVGD: "Class C65"). This variant has not been reported in the literature in individuals with RANBP2-related conditions. This variant is not present in population databases (ExAC no frequency). This sequence change replaces arginine with cysteine at codon 945 of the RANBP2 protein (p.Arg945Cys). The arginine residue is highly conserved and there is a large physicochemical difference between arginine and cysteine.

NM_006267.5(RANBP2):c.2833C>T (p.Arg945Cys)

Gene: RANBP2 (RAN binding protein 2; plus strand). Cytogenetic location: 2q13.
Variant type: single nucleotide variant.
Coding change: c.2833C>T on transcript NM_006267.5 (MANE Select); coding-DNA position 2833, C replaced by T.
Protein change: p.Arg945Cys; replaces arginine 945 with cysteine.
Molecular consequence: missense variant.
Genome position (GRCh38, 1-based): chr2:108,763,372, C>T. VCF-style: chr2-108763372-C-T. GRCh37 (hg19) VCF-style: chr2-109379828-C-T.
Other names: short protein forms R945C.
Identifiers: ClinVar variation 1027166 (VCV001027166.7), dbSNP rs1230163478, ClinGen allele CA348059732.